The following is an entry in ClinVar:

ClinVar aggregate classification (germline): Uncertain significance. Review status: criteria provided, multiple submitters, no conflicts (2 of 4 stars). 2 submissions from 2 submitters: Uncertain significance (2). Last evaluated 2025-03-24.

Conditions:
Epidermolysis bullosa simplex with nail dystrophy (EBS5D). Identifiers: MedGen C4225309, MONDO:0014661, OMIM 616487.
Epidermolysis bullosa simplex, Ogna type (EBS5A). Also called: Pidermolysis bullosa simplex 5A, Ogna type; EPIDERMOLYSIS BULLOSA SIMPLEX 5A, OGNA TYPE. Identifiers: Orphanet 79401, MedGen C0432317, MONDO:0007555, OMIM 131950.
Autosomal recessive limb-girdle muscular dystrophy type 2Q (LGMDR17). Also called: MUSCULAR DYSTROPHY, LIMB-GIRDLE, AUTOSOMAL RECESSIVE 17. Identifiers: Orphanet 254361, MedGen C3150989, MONDO:0013390, OMIM 613723.
Epidermolysis bullosa simplex 5B, with muscular dystrophy (EBS5B). Also called: EPIDERMOLYSIS BULLOSA SIMPLEX AND LIMB-GIRDLE MUSCULAR DYSTROPHY; Epidermolysis bullosa simplex with muscular dystrophy. Identifiers: Orphanet 257, MedGen C2931072, MONDO:0009181, OMIM 226670.
Epidermolysis bullosa simplex 5C, with pyloric atresia (EBS5C). Also called: PLEC-Related Epidermolysis Bullosa with Pyloric Atresia; Epidermolysis bullosa simplex with pyloric atresia; PLEC1-Related Epidermolysis Bullosa with Pyloric Atresia. Identifiers: Orphanet 158684, MedGen C2677349, MONDO:0012807, OMIM 612138.

gnomAD v4.1: 23 of 1,612,518 alleles (0.0014%); highest among the groups gnomAD compares: East Asian, 0.0045%; no homozygotes.

Submissions (2):

Revvity Omics, Revvity
Classification: Uncertain significance. Last evaluated: 2025-03-24. Review status: criteria provided, single submitter. Criteria: ACMG Guidelines, 2015. Collection method: clinical testing. Allele origin: germline.

Labcorp Genetics (formerly Invitae), Labcorp
Classification: Uncertain significance for Autosomal recessive limb-girdle muscular dystrophy type 2Q; Epidermolysis bullosa simplex, Ogna type; Epidermolysis bullosa simplex with nail dystrophy; Epidermolysis bullosa simplex 5C, with pyloric atresia; Epidermolysis bullosa simplex 5B, with muscular dystrophy. Last evaluated: 2024-11-04. Review status: criteria provided, single submitter. Criteria: Invitae Variant Classification Sherloc (09022015). Collection method: clinical testing. Allele origin: germline.
Comment: This sequence change replaces glutamic acid, which is acidic and polar, with lysine, which is basic and polar, at codon 1015 of the PLEC protein (p.Glu1015Lys). This variant is present in population databases (rs367627441, gnomAD 0.003%). This variant has not been reported in the literature in individuals affected with PLEC-related conditions. ClinVar contains an entry for this variant (Variation ID: 2949224). Invitae Evidence Modeling of protein sequence and biophysical properties (such as structural, functional, and spatial information, amino acid conservation, physicochemical variation, residue mobility, and thermodynamic stability) indicates that this missense variant is not expected to disrupt PLEC protein function with a negative predictive value of 80%. In summary, the available evidence is currently insufficient to determine the role of this variant in disease. Therefore, it has been classified as a Variant of Uncertain Significance.

NM_201384.3(PLEC):c.2962G>A (p.Glu988Lys)

Gene: PLEC (plectin; minus strand). Cytogenetic location: 8q24.3.
Variant type: single nucleotide variant.
Coding change: c.2962G>A on transcript NM_201384.3 (MANE Select); coding-DNA position 2962, G replaced by A.
Protein change: p.Glu988Lys; replaces glutamic acid 988 with lysine.
Molecular consequence: missense variant.
Genome position (GRCh38, 1-based): chr8:143,929,533, C>T on the plus strand (G>A on the coding strand, the complement: PLEC is on the minus strand). VCF-style: chr8-143929533-C-T. GRCh37 (hg19) VCF-style: chr8-145003701-C-T.
Other names: c.3043G>A, p.Glu1015Lys (NM_000445.5, NM_001410941.1); c.2920G>A, p.Glu974Lys (NM_201378.4); c.2896G>A, p.Glu966Lys (NM_201379.3); c.3373G>A, p.Glu1125Lys (NM_201380.4); c.2866G>A, p.Glu956Lys (NM_201381.3); c.2962G>A, p.Glu988Lys (NM_201382.4); c.2974G>A, p.Glu992Lys (NM_201383.3); short protein forms E966K, E1015K, E1125K, E988K, E956K, E974K, E992K.
Identifiers: ClinVar variation 2949224 (VCV002949224.4), dbSNP rs367627441, ClinGen allele CA4927275.
Genomic context (GRCh38, chr8:143,929,533, plus strand): 5'-GCAGGCGGTGCACGGTGCGCGTCTCACAGGCCTCCAGCTGCAGCCGGATGTCTTTGAGCT[C>T]GGAGATGCAGCGCTGGCAGCGAGACTCTTCCTGTGCACCTGGGGAACACATGTGGGTCAC-3'
Protein context (NP_958786.1, residues 978-998): EESRCQRCIS[Glu988Lys]LKDIRLQLEA